The following is an entry in ClinVar:

NM_002979.5(SCP2):c.1155G>T (p.Lys385Asn)

Gene: SCP2 (sterol carrier protein 2; plus strand). Cytogenetic location: 1p32.3.
Variant type: single nucleotide variant.
Coding change: c.1155G>T on transcript NM_002979.5 (MANE Select); coding-DNA position 1155, G replaced by T.
Protein change: p.Lys385Asn; replaces lysine 385 with asparagine.
Molecular consequence: missense variant. On other transcripts: 5 prime UTR variant (3).
Genome position (GRCh38, 1-based): chr1:53,014,963, G>T. VCF-style: chr1-53014963-G-T. GRCh37 (hg19) VCF-style: chr1-53480635-G-T.
Other names: c.-58G>T (NM_001007099.3, NM_001007100.3, NM_001007250.3); c.1083G>T, p.Lys361Asn (NM_001193599.2); c.1023G>T, p.Lys341Asn (NM_001193600.2); c.912G>T, p.Lys304Asn (NM_001193617.2); short protein forms K341N, K385N, K304N, K361N.
Identifiers: ClinVar variation 1441088 (VCV001441088.3), dbSNP rs1340562226, ClinGen allele CA340385883.

ClinVar aggregate classification (germline): Uncertain significance (1 of 4 stars; one submission).

Allele frequency attached by ClinVar (database versions not stated): gnomAD exomes below 0.00001.
gnomAD v4.1: 1 of 1,614,106 alleles (0.000062%); highest among the groups gnomAD compares: Admixed American, 0.0017%; no homozygotes.

Submission:

Labcorp Genetics (formerly Invitae), Labcorp
Classification: Uncertain significance. Last evaluated: 2022-03-18. Review status: criteria provided, single submitter. Criteria: Invitae Variant Classification Sherloc (09022015). Collection method: clinical testing. Allele origin: germline.
Comment: This sequence change replaces lysine, which is basic and polar, with asparagine, which is neutral and polar, at codon 385 of the SCP2 protein (p.Lys385Asn). This variant is present in population databases (no rsID available, gnomAD 0.003%). This variant has not been reported in the literature in individuals affected with SCP2-related conditions. Algorithms developed to predict the effect of missense changes on protein structure and function are either unavailable or do not agree on the potential impact of this missense change (SIFT: "Deleterious"; PolyPhen-2: "Probably Damaging"; Align-GVGD: "Class C0"). In summary, the available evidence is currently insufficient to determine the role of this variant in disease. Therefore, it has been classified as a Variant of Uncertain Significance.